The following is an entry in ClinVar:

ClinVar aggregate classification (germline): Likely pathogenic. Review status: reviewed by expert panel (3 of 4 stars). 5 submissions from 5 submitters: Likely pathogenic (1). 4 of the submissions do not count toward it. Last evaluated 2025-08-01.

Conditions:
RYR1-related disorder. Also called: RYR1-related disorders; RYR1-related condition. Identifiers: MedGen CN239331.
Central core myopathy (CMYO1A). Also called: CONGENITAL MYOPATHY 1A, AUTOSOMAL DOMINANT, WITH SUSCEPTIBILITY TO MALIGNANT HYPERTHERMIA; Central core disease; Myopathy, central fibrillar. Identifiers: Orphanet 597, MedGen C5830701, MONDO:0007294, OMIM 117000.
Malignant hyperthermia, susceptibility to, 1 (MHS1). Also called: Anesthesia related hyperthermia; Malignant hyperpyrexia; Fulminating hyperpyrexia; Pharmacogenic myopathy; RYR1-Related Malignant Hyperthermia Susceptibility; Malignant hyperthermia suceptibility 1. Identifiers: Orphanet 423, MedGen C2930980, MONDO:0007783, OMIM 145600.

Submissions (5):

ClinGen Malignant Hyperthermia Susceptibility Variant Curation Expert Panel, ClinGen
Classification: Likely pathogenic for Malignant hyperthermia, susceptibility to, 1. Last evaluated: 2025-08-01. Review status: reviewed by expert panel. Criteria: RYR1-MHS Interpretation Guidelines V2. Collection method: curation. Allele origin: germline. Inheritance: Autosomal dominant inheritance. Study: ClinGen.
Comment: This pathogenicity assessment is relevant only for malignant hyperthermia susceptibility (MHS) inherited in an autosomal dominant pattern. Variants in RYR1 can also cause other myopathies inherited in an autosomal dominant pattern or in an autosomal recessive pattern. Some of these disorders may predispose individuals to malignant hyperthermia. RYR1 variants may also contribute to a malignant hyperthermia reaction in combination with other genetic and non-genetic factors and the clinician needs to consider such factors in making management decisions. This sequence variant predicts a substitution of isoleucine with threonine at codon 2453 of the RYR1 protein, p.(Ile2453Thr). This variant was not present in a large population database (gnomAD) at the time it was interpreted. This variant has been reported in an individual with a personal history of an MH episode and a positive in vitro contracture test (IVCT), PS4_Supporting (PMID:12434264). The mother was positive for the variant and was determined to be IVCT positive, and the variant was determined to be de novo in the mother with confirmed parentage, PS2_Moderate. A functional study using sarcoplasmic reticulum membrane vesicles was published for this variant; this assay is not considered a standard assay by the ClinGen RYR1 VCEP for MHS and PS3 was not applied (PMID:16958617). This variant resides in a region of RYR1 considered to be a hotspot for pathogenic variants that contribute to MHS, PM1 (PMID: 21118704). A REVEL score >0.85 (0.891) supports a pathogenic status for this variant, PP3_Moderate. This variant has been classified as Likely Pathogenic. Criteria implemented: PS2_Moderate, PS4_Supporting, PM1, PP3_Moderate.

Labcorp Genetics (formerly Invitae), Labcorp
Classification: Pathogenic for RYR1-related disorder. Last evaluated: 2020-09-15. Review status: criteria provided, single submitter. Criteria: Invitae Variant Classification Sherloc (09022015). Collection method: clinical testing. Allele origin: germline. Not counted in ClinVar's aggregate classification.
Comment: This variant has been observed in individual(s) with central core disease (PMID: 14708096, Invitae) and malignant hyperthermia susceptibility (PMID: 12434264, 14708096). It has also been observed to segregate with disease in related individuals. ClinVar contains an entry for this variant (Variation ID: 65953). This variant is not present in population databases (ExAC no frequency). This sequence change replaces isoleucine with threonine at codon 2453 of the RYR1 protein (p.Ile2453Thr). The isoleucine residue is highly conserved and there is a moderate physicochemical difference between isoleucine and threonine. For these reasons, this variant has been classified as Pathogenic. Advanced modeling of protein sequence and biophysical properties (such as structural, functional, and spatial information, amino acid conservation, physicochemical variation, residue mobility, and thermodynamic stability) performed at Invitae indicates that this missense variant is expected to disrupt RYR1 protein function.

Institute of Human Genetics Munich, TUM University Hospital
Classification: Pathogenic for Central core myopathy. Last evaluated: 2019-11-08. Review status: criteria provided, single submitter. Criteria: Classification criteria August 2017. Collection method: clinical testing. Allele origin: germline. Inheritance: Autosomal dominant inheritance. Affected: yes. Observed: 1 heterozygote. Not counted in ClinVar's aggregate classification.

GeneReviews
Classification: Pathogenic for Central Core Disease. Last evaluated: 2010-05-11. Review status: no assertion criteria provided. Collection method: curation. Allele origin: unknown. Not counted in ClinVar's aggregate classification.
ClinVar note: Converted during submission from pathologic to Pathogenic.

RYR1 database
No classification provided. Review status: no classification provided. Collection method: not provided. Allele origin: unknown. Not counted in ClinVar's aggregate classification.

Literature cited by the submitters: PubMed 14708096 (cited by Labcorp Genetics (formerly Invitae), Labcorp); PubMed 12434264 (cited by Labcorp Genetics (formerly Invitae), Labcorp).

NM_000540.3(RYR1):c.7358T>C (p.Ile2453Thr)

Gene: RYR1 (ryanodine receptor 1; plus strand). Cytogenetic location: 19q13.2.
Variant type: single nucleotide variant.
Coding change: c.7358T>C on transcript NM_000540.3 (MANE Select); coding-DNA position 7358, T replaced by C.
Protein change: p.Ile2453Thr; replaces isoleucine 2453 with threonine.
Molecular consequence: missense variant.
Genome position (GRCh38, 1-based): chr19:38,500,640, T>C. VCF-style: chr19-38500640-T-C. GRCh37 (hg19) VCF-style: chr19-38991280-T-C.
Other names: NM_000540.2(RYR1):c.7358T>C; p.Ile2453Thr; c.7358T>C, p.Ile2453Thr (NM_001042723.2); short protein forms I2453T.
Identifiers: ClinVar variation 65953 (VCV000065953.16), dbSNP rs118192123, ClinGen allele CA024775.